The following is an entry in ClinVar:

ClinVar aggregate classification (germline): Uncertain significance (1 of 4 stars; one submission).

Conditions:
Fanconi anemia (FA). Also called: Fanconi's anemia. Identifiers: Orphanet 84, MedGen C0015625, MeSH D005199, MONDO:0019391.

Allele frequency attached by ClinVar (database versions not stated): TOPMed below 0.00001; gnomAD exomes 0.00001 and 0.00002; ExAC 0.00002.
gnomAD v4.1: 15 of 1,614,006 alleles (0.00093%); highest among the groups gnomAD compares: Middle Eastern, 0.017%; no homozygotes.

Submission:

Labcorp Genetics (formerly Invitae), Labcorp
Classification: Uncertain significance for Fanconi anemia. Last evaluated: 2020-12-09. Review status: criteria provided, single submitter. Criteria: Invitae Variant Classification Sherloc (09022015). Collection method: clinical testing. Allele origin: germline.
Comment: This variant has not been reported in the literature in individuals with FANCM-related conditions. This variant is present in population databases (rs749034471, ExAC 0.02%). This sequence change replaces alanine with threonine at codon 1803 of the FANCM protein (p.Ala1803Thr). The alanine residue is weakly conserved and there is a small physicochemical difference between alanine and threonine. Algorithms developed to predict the effect of missense changes on protein structure and function output the following: SIFT: "Tolerated"; PolyPhen-2: "Benign"; Align-GVGD: "Class C0". The threonine amino acid residue is found in multiple mammalian species, suggesting that this missense change does not adversely affect protein function. These predictions have not been confirmed by published functional studies and their clinical significance is uncertain. In summary, the available evidence is currently insufficient to determine the role of this variant in disease. Therefore, it has been classified as a Variant of Uncertain Significance.

NM_020937.4(FANCM):c.5407G>A (p.Ala1803Thr)

Gene: FANCM (FA complementation group M; plus strand). Cytogenetic location: 14q21.2.
Variant type: single nucleotide variant.
Coding change: c.5407G>A on transcript NM_020937.4 (MANE Select); coding-DNA position 5407, G replaced by A.
Protein change: p.Ala1803Thr; replaces alanine 1803 with threonine.
Molecular consequence: missense variant.
Genome position (GRCh38, 1-based): chr14:45,196,238, G>A. VCF-style: chr14-45196238-G-A. GRCh37 (hg19) VCF-style: chr14-45665441-G-A.
Other names: c.5329G>A, p.Ala1777Thr (NM_001308133.2); short protein forms A1777T, A1803T.
Identifiers: ClinVar variation 949665 (VCV000949665.9), dbSNP rs749034471, ClinGen allele CA7169998.